The following is an entry in ClinVar:

NM_198721.4(COL25A1):c.412+9C>T

Gene: COL25A1 (collagen type XXV alpha 1 chain; minus strand). Cytogenetic location: 4q25.
Variant type: single nucleotide variant.
Coding change: c.412+9C>T on transcript NM_198721.4 (MANE Select); 9 bases into the intron after coding-DNA position 412, C replaced by T.
Molecular consequence: intron variant.
Genome position (GRCh38, 1-based): chr4:109,050,126, G>A on the plus strand (C>T on the coding strand, the complement: COL25A1 is on the minus strand). VCF-style: chr4-109050126-G-A. GRCh37 (hg19) VCF-style: chr4-109971282-G-A.
Other names: c.412+9C>T (NM_032518.4, NM_001256074.3).
Identifiers: ClinVar variation 717345 (VCV000717345.6), dbSNP rs201278912, ClinGen allele CA3039894.

ClinVar aggregate classification (germline): Benign/Likely benign. Review status: criteria provided, multiple submitters, no conflicts (2 of 4 stars). 3 submissions from 3 submitters: Benign (1); Likely benign (2). Last evaluated 2025-12-05.

Conditions:
COL25A1-related disorder. Also called: COL25A1-related condition.

Allele frequency attached by ClinVar (database versions not stated): gnomAD 0.00086 and 0.00091; TOPMed 0.00087; ESP Exome Variant Server 0.00133.
gnomAD v4.1: 1,836 of 1,608,034 alleles (0.11%); highest among the groups gnomAD compares: Non-Finnish European, 0.14%; 2 homozygotes.

Submissions (3):

PreventionGenetics, part of Exact Sciences
Classification: Likely benign for COL25A1-related condition. Last evaluated: 2025-12-05. Review status: criteria provided, single submitter. Criteria: ACMG Guidelines, 2015. Collection method: clinical testing. Allele origin: germline.
Comment: This variant is classified as likely benign based on ACMG/AMP sequence variant interpretation guidelines (Richards et al. 2015 PMID: 25741868, with internal and published modifications).

Blueprint Genetics
Classification: Likely benign. Last evaluated: 2024-09-19. Review status: criteria provided, single submitter. Criteria: ACMG Guidelines, 2015. Collection method: clinical testing. Allele origin: germline.

Labcorp Genetics (formerly Invitae), Labcorp
Classification: Benign. Last evaluated: 2019-12-31. Review status: criteria provided, single submitter. Criteria: Invitae Variant Classification Sherloc (09022015). Collection method: clinical testing. Allele origin: germline.